The following is an entry in ClinVar:

ClinVar aggregate classification (germline): Conflicting classifications of pathogenicity. Review status: criteria provided, conflicting classifications (1 of 4 stars). 2 submissions from 2 submitters: Pathogenic (1); Uncertain significance (1). Last evaluated 2022-02-03.

Allele frequency attached by ClinVar (database versions not stated): gnomAD exomes below 0.00001.
gnomAD v4.1: 1 of 1,614,158 alleles (0.000062%); highest among the groups gnomAD compares: Non-Finnish European, 0.000085%; no homozygotes.

Submissions (2):

Labcorp Genetics (formerly Invitae), Labcorp
Classification: Pathogenic. Last evaluated: 2022-02-03. Review status: criteria provided, single submitter. Criteria: Invitae Variant Classification Sherloc (09022015). Collection method: clinical testing. Allele origin: germline.
Comment: This variant disrupts the p.Gly968 amino acid residue in ABCA4. Other variant(s) that disrupt this residue have been observed in individuals with ABCA4-related conditions (PMID: 33090715, 33301772), which suggests that this may be a clinically significant amino acid residue. Advanced modeling of protein sequence and biophysical properties (such as structural, functional, and spatial information, amino acid conservation, physicochemical variation, residue mobility, and thermodynamic stability) performed at Invitae indicates that this missense variant is expected to disrupt ABCA4 protein function. ClinVar contains an entry for this variant (Variation ID: 194919). This missense change has been observed in individual(s) with clinical features of Stargardt disease (Invitae). This variant is not present in population databases (gnomAD no frequency). This sequence change replaces glycine, which is neutral and non-polar, with arginine, which is basic and polar, at codon 968 of the ABCA4 protein (p.Gly968Arg). For these reasons, this variant has been classified as Pathogenic.

Eurofins Ntd Llc (ga)
Classification: Uncertain significance. Last evaluated: 2015-05-15. Review status: criteria provided, single submitter. Criteria: EGL Classification Definitions 2015. Collection method: clinical testing. Allele origin: germline. Observed: 1 variant allele, 1 heterozygote.

Literature cited by the submitters: PubMed 33090715 (cited by Labcorp Genetics (formerly Invitae), Labcorp); PubMed 33301772 (cited by Labcorp Genetics (formerly Invitae), Labcorp).

NM_000350.3(ABCA4):c.2902G>A (p.Gly968Arg)

Gene: ABCA4 (ATP binding cassette subfamily A member 4; minus strand). Cytogenetic location: 1p22.1.
Variant type: single nucleotide variant.
Coding change: c.2902G>A on transcript NM_000350.3 (MANE Select); coding-DNA position 2902, G replaced by A.
Protein change: p.Gly968Arg; replaces glycine 968 with arginine.
Molecular consequence: missense variant.
Genome position (GRCh38, 1-based): chr1:94,046,935, C>T on the plus strand (G>A on the coding strand, the complement: ABCA4 is on the minus strand). VCF-style: chr1-94046935-C-T. GRCh37 (hg19) VCF-style: chr1-94512491-C-T.
Other names: c.2680G>A, p.Gly894Arg (NM_001425324.1); short protein forms G968R, G894R.
Identifiers: ClinVar variation 194919 (VCV000194919.13), dbSNP rs794727220, ClinGen allele CA241135.